The following is an entry in ClinVar:

ClinVar aggregate classification (germline): Uncertain significance (1 of 4 stars; one submission).

Submission:

CeGaT Center for Human Genetics Tuebingen
Classification: Uncertain significance. Last evaluated: 2023-01-01. Review status: criteria provided, single submitter. Criteria: CeGaT Center For Human Genetics Tuebingen Variant Classification Criteria Version 2. Collection method: clinical testing. Allele origin: germline. Affected: yes. Observed: 1 variant allele.
Comment: NLGN4X: PM2

NM_181332.3(NLGN4X):c.1181A>G (p.Asp394Gly)

Gene: NLGN4X (neuroligin 4 X-linked; minus strand). Cytogenetic location: Xp22.32.
Variant type: single nucleotide variant.
Coding change: c.1181A>G on transcript NM_181332.3 (MANE Select); coding-DNA position 1181, A replaced by G.
Protein change: p.Asp394Gly; replaces aspartic acid 394 with glycine.
Molecular consequence: missense variant.
Genome position (GRCh38, 1-based): chrX:5,903,497, T>C on the plus strand (A>G on the coding strand, the complement: NLGN4X is on the minus strand). VCF-style: chrX-5903497-T-C. GRCh37 (hg19) VCF-style: chrX-5821538-T-C.
Other names: c.1181A>G, p.Asp394Gly (NM_001282145.2, NM_001282146.2, NM_020742.4); short protein forms D394G.
Identifiers: ClinVar variation 2659900 (VCV002659900.24), dbSNP rs2518447058, ClinGen allele CA412010964.